The following is an entry in ClinVar:

NM_001267550.2(TTN):c.90298G>T (p.Glu30100Ter)

Genes: TTN (titin; minus strand), TTN-AS1 (TTN antisense RNA 1; plus strand). Cytogenetic location: 2q31.2.
Variant type: single nucleotide variant.
Coding change: c.90298G>T on transcript NM_001267550.2 (MANE Select); coding-DNA position 90298, G replaced by T.
Protein change: p.Glu30100Ter; replaces glutamic acid 30100 with a stop codon.
Molecular consequence: nonsense.
Genome position (GRCh38, 1-based): chr2:178,552,602, C>A on the plus strand (G>T on the coding strand, the complement: TTN is on the minus strand). VCF-style: chr2-178552602-C-A. GRCh37 (hg19) VCF-style: chr2-179417329-C-A.
Other names: c.85375G>T, p.Glu28459Ter (NM_001256850.1); c.63103G>T, p.Glu21035Ter (NM_003319.4); c.82594G>T, p.Glu27532Ter (NM_133378.4); c.63478G>T, p.Glu21160Ter (NM_133432.3); c.63679G>T, p.Glu21227Ter (NM_133437.4); short protein forms E27532*, E30100*, E21035*, E28459*, E21160*, E21227*.
Identifiers: ClinVar variation 5006143 (VCV005006143.2).
Genomic context (GRCh38, chr2:178,552,602, plus strand): 5'-TTGGCCCAATAGTGACAGGATCACTCAGTCCTTTCTCATTTTTGGCAAACACTCTGAACT[C>A]CAGGACTGACTGCTCCTTAAGTTGGCTAACCTCAATTTCACATGTCTTACTTATGCCAGC-3'

ClinVar aggregate classification (germline): Likely pathogenic (1 of 4 stars; one submission).

Conditions:
Hypertrophic cardiomyopathy 9. Also called: Familial hypertrophic cardiomyopathy 9. Identifiers: MedGen C1861065, MONDO:0013412, OMIM 613765.
Myopathy, myofibrillar, 9, with early respiratory failure (MFM9). Also called: Hereditary myopathy with early respiratory failure; EDSTROM MYOPATHY; MYOPATHY, PROXIMAL, WITH EARLY RESPIRATORY MUSCLE INVOLVEMENT; Myopathy, distal, with early respiratory failure, autosomal dominant. Identifiers: Orphanet 178464, Orphanet 34521, MedGen C1863599, MONDO:0011362, OMIM 603689.
Early-onset myopathy with fatal cardiomyopathy (CMYO5). Also called: CONGENITAL MYOPATHY 5 WITH CARDIOMYOPATHY; Salih Myopathy. Identifiers: Orphanet 289377, MedGen C2673677, MONDO:0012714, OMIM 611705. Disease mechanism: loss of function.
Autosomal recessive limb-girdle muscular dystrophy type 2J (LGMDR10). Also called: Limb-girdle muscular dystrophy, type 2J; MUSCULAR DYSTROPHY, LIMB-GIRDLE, AUTOSOMAL RECESSIVE 10. Identifiers: Orphanet 140922, MedGen C1837342, MONDO:0012127, OMIM 608807.
Dilated cardiomyopathy 1G (CMD1G). Identifiers: Orphanet 154, MedGen C1858763, MONDO:0011400, OMIM 604145.
Tibial muscular dystrophy (TMD). Also called: UDD MYOPATHY; Udd Distal Myopathy – Tibial Muscular Dystrophy; Tibial muscular dystrophy, tardive. Identifiers: Orphanet 609, MedGen C1838244, MONDO:0010870, OMIM 600334.

Submission:

Juno Genomics, Hangzhou Juno Genomics, Inc
Classification: Likely pathogenic for Early-onset myopathy with fatal cardiomyopathy; Dilated cardiomyopathy 1G; Hypertrophic cardiomyopathy 9; Autosomal recessive limb-girdle muscular dystrophy type 2J; Myopathy, myofibrillar, 9, with early respiratory failure; Tibial muscular dystrophy. Review status: criteria provided, single submitter. Criteria: ACMG Guidelines, 2015. Collection method: clinical testing. Allele origin: germline.
Comment: Null variant in a gene where loss of function (LOF) is a known mechanism of disease.;Absent from controls (or at extremely low frequency if recessive) in Genome Aggregation Database.